The following is an entry in ClinVar:

ClinVar aggregate classification (germline): Benign (1 of 4 stars; one submission).

Conditions:
Retinoblastoma (RB1). Also called: RETINOBLASTOMA, SOMATIC. Identifiers: Orphanet 790, MedGen C0035335, MeSH D012175, MONDO:0008380, OMIM 180200, HP:0009919. Disease mechanism: loss of function. Inheritance: Both sporadic and heritable forms are tested..

Submission:

Myriad Genetics, Inc.
Classification: Benign for Retinoblastoma. Last evaluated: 2026-06-24. Review status: criteria provided, single submitter. Criteria: Myriad Autosomal Dominant, Autosomal Recessive and X-Linked Classification Criteria (2023). Collection method: clinical testing. Allele origin: unknown.
Comment: This variant is considered benign. This variant is a silent/synonymous amino acid change and it is not expected to impact splicing.

NM_000321.3(RB1):c.1659T>C (p.Cys553=)

Gene: RB1 (RB transcriptional corepressor 1; plus strand). Cytogenetic location: 13q14.2.
Variant type: single nucleotide variant.
Coding change: c.1659T>C on transcript NM_000321.3 (MANE Select); coding-DNA position 1659, T replaced by C.
Protein change: p.Cys553=; no amino-acid change (cysteine 553 retained).
Molecular consequence: synonymous variant.
Genome position (GRCh38, 1-based): chr13:48,381,407, T>C. VCF-style: chr13-48381407-T-C. GRCh37 (hg19) VCF-style: chr13-48955543-T-C.
Other names: c.1659T>C, p.Cys553= (NM_001407165.1, NM_001407166.1).
Identifiers: ClinVar variation 4875854 (VCV004875854.1).